The following is an entry in ClinVar:

NM_152564.5(VPS13B):c.927A>C (p.Gly309=)

Gene: VPS13B (vacuolar protein sorting 13 homolog B; plus strand). Cytogenetic location: 8q22.2.
Variant type: single nucleotide variant.
Coding change: c.927A>C on transcript NM_152564.5 (MANE Select); coding-DNA position 927, A replaced by C.
Protein change: p.Gly309=; no amino-acid change (glycine 309 retained).
Molecular consequence: synonymous variant. On other transcripts: non-coding transcript variant (1).
Genome position (GRCh38, 1-based): chr8:99,115,864, A>C. VCF-style: chr8-99115864-A-C. GRCh37 (hg19) VCF-style: chr8-100128092-A-C.
Other names: c.927A>C (NM_152564.4); c.927A>C, p.Gly309= (NM_015243.3, NM_017890.5, NM_181661.3).
Identifiers: ClinVar variation 1586239 (VCV001586239.10), dbSNP rs1252576777, ClinGen allele CA462421742.

ClinVar aggregate classification (germline): Likely benign. Review status: criteria provided, single submitter (1 of 4 stars). 2 submissions from 2 submitters: Likely benign (1). 1 of the submissions does not count toward it. Last evaluated 2024-04-29.

Conditions:
VPS13B-related disorder. Also called: VPS13B-related condition.
Cohen syndrome (COH1). Also called: PEPPER SYNDROME; Cutis verticis gyrata, retinitis pigmentosa, and sensorineural deafness. Identifiers: Orphanet 193, MedGen C0265223, MONDO:0008999, OMIM 216550.

Allele frequency attached by ClinVar (database versions not stated): gnomAD exomes below 0.00001; gnomAD 0.00001; TOPMed 0.00001.
gnomAD v4.1: 3 of 1,612,870 alleles (0.00019%); highest among the groups gnomAD compares: African/African-American, 0.004%; no homozygotes.

Submissions (2):

Labcorp Genetics (formerly Invitae), Labcorp
Classification: Likely benign for Cohen syndrome. Last evaluated: 2024-04-29. Review status: criteria provided, single submitter. Criteria: Invitae Variant Classification Sherloc (09022015). Collection method: clinical testing. Allele origin: germline.

PreventionGenetics, part of Exact Sciences
Classification: Likely benign for VPS13B-related condition. Last evaluated: 2020-12-23. Review status: no assertion criteria provided. Collection method: clinical testing. Allele origin: germline. Not counted in ClinVar's aggregate classification.
Comment: This variant is classified as likely benign based on ACMG/AMP sequence variant interpretation guidelines (Richards et al. 2015 PMID: 25741868, with internal and published modifications).